The following is an entry in ClinVar:

ClinVar aggregate classification (germline): Conflicting classifications of pathogenicity. Review status: criteria provided, conflicting classifications (1 of 4 stars). 6 submissions from 6 submitters: Uncertain significance (1); Benign (2); Likely benign (3). Last evaluated 2026-02-03.

Conditions:
Isolated focal cortical dysplasia type II (FCORD2). Also called: Focal cortical dysplasia type II; CORTICAL DYSPLASIA OF TAYLOR. Identifiers: Orphanet 268994, MedGen C1846385, MONDO:0011818, OMIM 607341, HP:0032051.
Inborn genetic diseases. Identifiers: MedGen C0950123, MeSH D030342.

Allele frequency attached by ClinVar (database versions not stated): gnomAD 0.00013; ESP Exome Variant Server 0.00015; 1000 Genomes Project 30x 0.00016; TOPMed 0.00017; gnomAD exomes 0.00018 and 0.00019; 1000 Genomes Project 0.00020; ExAC 0.00021.
gnomAD v4.1: 285 of 1,614,168 alleles (0.018%); highest among the groups gnomAD compares: Middle Eastern, 0.033%; 1 homozygote.

Submissions (6):

Labcorp Genetics (formerly Invitae), Labcorp
Classification: Benign. Last evaluated: 2026-02-03. Review status: criteria provided, single submitter. Criteria: Invitae Variant Classification Sherloc (09022015). Collection method: clinical testing. Allele origin: germline.

Laboratory of Genetics, Children's Clinical University Hospital Latvia
Classification: Likely benign. Last evaluated: 2025-02-16. Review status: criteria provided, single submitter. Criteria: ACMG Guidelines, 2015. Collection method: clinical testing. Allele origin: germline. Affected: yes.

Ambry Genetics
Classification: Likely benign for Inborn genetic diseases. Last evaluated: 2024-12-28. Review status: criteria provided, single submitter. Criteria: Ambry Variant Classification Scheme 2023. Collection method: clinical testing. Allele origin: germline.

CeGaT Center for Human Genetics Tuebingen
Classification: Benign. Last evaluated: 2024-11-01. Review status: criteria provided, single submitter. Criteria: CeGaT Center For Human Genetics Tuebingen Variant Classification Criteria Version 2. Collection method: clinical testing. Allele origin: germline. Affected: yes. Observed: 4 variant alleles.
Comment: MTOR: PP2, BS1, BS2

Blueprint Genetics
Classification: Likely benign. Last evaluated: 2024-09-18. Review status: criteria provided, single submitter. Criteria: ACMG Guidelines, 2015. Collection method: clinical testing. Allele origin: germline.

Centre for Mendelian Genomics, University Medical Centre Ljubljana
Classification: Uncertain significance for Isolated focal cortical dysplasia type II. Last evaluated: 2019-08-12. Review status: criteria provided, single submitter. Criteria: ACMG Guidelines, 2015. Collection method: clinical testing. Allele origin: unknown. Affected: yes.
Comment: This variant was classified as: Uncertain significance. The available evidence on this variant's pathogenicity is insufficient or conflicting. The following ACMG criteria were applied in classifying this variant: PP3,BS2.

NM_004958.4(MTOR):c.3452A>G (p.Tyr1151Cys)

Gene: MTOR (mechanistic target of rapamycin kinase; minus strand). Cytogenetic location: 1p36.22.
Variant type: single nucleotide variant.
Coding change: c.3452A>G on transcript NM_004958.4 (MANE Select); coding-DNA position 3452, A replaced by G.
Protein change: p.Tyr1151Cys; replaces tyrosine 1151 with cysteine.
Molecular consequence: missense variant.
Genome position (GRCh38, 1-based): chr1:11,212,421, T>C on the plus strand (A>G on the coding strand, the complement: MTOR is on the minus strand). VCF-style: chr1-11212421-T-C. GRCh37 (hg19) VCF-style: chr1-11272478-T-C.
Other names: short protein forms Y1151C.
Identifiers: ClinVar variation 833826 (VCV000833826.50), dbSNP rs151082401, ClinGen allele CA590218.